The following is an entry in ClinVar:

ClinVar aggregate classification (germline): Uncertain significance. Review status: criteria provided, multiple submitters, no conflicts (2 of 4 stars). 2 submissions from 2 submitters: Uncertain significance (2). Last evaluated 2024-12-02.

Allele frequency attached by ClinVar (database versions not stated): gnomAD exomes below 0.00001.
gnomAD v4.1: 1 of 1,613,936 alleles (0.000062%); highest among the groups gnomAD compares: African/African-American, 0.0013%; no homozygotes.

Submissions (2):

Labcorp Genetics (formerly Invitae), Labcorp
Classification: Uncertain significance. Last evaluated: 2024-12-02. Review status: criteria provided, single submitter. Criteria: Invitae Variant Classification Sherloc (09022015). Collection method: clinical testing. Allele origin: germline.
Comment: This sequence change replaces leucine, which is neutral and non-polar, with arginine, which is basic and polar, at codon 326 of the TULP1 protein (p.Leu326Arg). This variant is present in population databases (rs770319381, gnomAD 0.007%). This variant has not been reported in the literature in individuals affected with TULP1-related conditions. ClinVar contains an entry for this variant (Variation ID: 1698243). Invitae Evidence Modeling of protein sequence and biophysical properties (such as structural, functional, and spatial information, amino acid conservation, physicochemical variation, residue mobility, and thermodynamic stability) indicates that this missense variant is expected to disrupt TULP1 protein function with a positive predictive value of 95%. In summary, the available evidence is currently insufficient to determine the role of this variant in disease. Therefore, it has been classified as a Variant of Uncertain Significance.

GeneDx
Classification: Uncertain significance. Last evaluated: 2022-01-24. Review status: criteria provided, single submitter. Criteria: GeneDx Variant Classification Process June 2021. Collection method: clinical testing. Allele origin: germline. Affected: yes.
Comment: Not observed at significant frequency in large population cohorts (gnomAD); In silico analysis supports that this missense variant has a deleterious effect on protein structure/function; Has not been previously published as pathogenic or benign to our knowledge

NM_003322.6(TULP1):c.977T>G (p.Leu326Arg)

Gene: TULP1 (TUB like protein 1; minus strand). Cytogenetic location: 6p21.31.
Variant type: single nucleotide variant.
Coding change: c.977T>G on transcript NM_003322.6 (MANE Select); coding-DNA position 977, T replaced by G.
Protein change: p.Leu326Arg; replaces leucine 326 with arginine.
Molecular consequence: missense variant.
Genome position (GRCh38, 1-based): chr6:35,506,025, A>C on the plus strand (T>G on the coding strand, the complement: TULP1 is on the minus strand). VCF-style: chr6-35506025-A-C. GRCh37 (hg19) VCF-style: chr6-35473802-A-C.
Other names: c.818T>G, p.Leu273Arg (NM_001289395.2); short protein forms L273R, L326R.
Identifiers: ClinVar variation 1698243 (VCV001698243.6), dbSNP rs770319381, ClinGen allele CA137288458.